The following is an entry in ClinVar:

NM_003745.2(SOCS1):c.147_153del (p.Pro50fs)

Gene: SOCS1 (suppressor of cytokine signaling 1; minus strand). Cytogenetic location: 16p13.13.
Variant type: Microsatellite.
Coding change: c.147_153del on transcript NM_003745.2 (MANE Select); coding-DNA positions 147 to 153, 7 bases deleted (CCCCGGC; older notation c.147_153delCCCCGGC).
Protein change: p.Pro50fs; shifts the reading frame from proline 50.
Molecular consequence: frameshift variant.
Genome position (GRCh38, 1-based): chr16:11,255,326-11,255,332, GCCGGGG deleted on the plus strand (CCCCGGC on the coding strand, the reverse complement: SOCS1 is on the minus strand); deleting any 7 consecutive bases within chr16:11,255,326-11,255,339 gives the same sequence; the c. name uses the placement nearest the transcript's 3' end. VCF-style (leftmost placement, unchanged base first): chr16-11255325-CGCCGGGG-C. GRCh37 (hg19) VCF-style: chr16-11349182-CGCCGGGG-C.
Other names: short protein forms P50fs.
Identifiers: ClinVar variation 4888164 (VCV004888164.1).

ClinVar aggregate classification (germline): Likely pathogenic (1 of 4 stars; one submission).

Submission:

GeneDx
Classification: Likely pathogenic. Last evaluated: 2026-02-27. Review status: criteria provided, single submitter. Criteria: GeneDx Variant Classification Process June 2021. Collection method: clinical testing. Allele origin: germline.
Comment: Reported in the heterozygous state in a patient with recurrent bronchitis, sinusitis, bronchiectasis, ITP, arthritis, enteropathy, lymphadenopathy, splenomegaly, and panniculitis (PMID: 34619682); Not observed at significant frequency in large population cohorts (gnomAD); Frameshift variant predicted to result in abnormal protein length as the last 162 amino acid(s) are replaced with 32 different amino acid(s), and other similar variants have been reported in HGMD; This variant is associated with the following publications: (PMID: 34619682)